The following is an entry in ClinVar:

NM_001813.3(CENPE):c.7050G>T (p.Lys2350Asn)

Gene: CENPE (centromere protein E; minus strand). Cytogenetic location: 4q24.
Variant type: single nucleotide variant.
Coding change: c.7050G>T on transcript NM_001813.3 (MANE Select); coding-DNA position 7050, G replaced by T.
Protein change: p.Lys2350Asn; replaces lysine 2350 with asparagine.
Molecular consequence: missense variant.
Genome position (GRCh38, 1-based): chr4:103,122,964, C>A on the plus strand (G>T on the coding strand, the complement: CENPE is on the minus strand). VCF-style: chr4-103122964-C-A. GRCh37 (hg19) VCF-style: chr4-104044121-C-A.
Other names: c.6687G>T, p.Lys2229Asn (NM_001286734.2); short protein forms K2229N, K2350N.
Identifiers: ClinVar variation 1311501 (VCV001311501.2), dbSNP rs747200493, ClinGen allele CA357771694.
Genomic context (GRCh38, chr4:103,122,964, plus strand): 5'-ATGAGGATTCTTATTGTCTTGTGTGGTAGGATTAACCTGGGCACCAGATGCCAAGGAAGT[C>A]TTCAATGTTTGGTAGTTTTTAAATAGTTTTTCATTTTTCTCTTTCAGTGATTTCAGGTCC-3'
Protein context (NP_001804.2, residues 2340-2360): EKLFKNYQTL[Lys2350Asn]TSLASGAQVN

ClinVar aggregate classification (germline): Uncertain significance (1 of 4 stars; one submission).

gnomAD v4.1: 1 of 1,613,906 alleles (0.000062%); highest among the groups gnomAD compares: Non-Finnish European, 0.000085%; no homozygotes.

Submission:

GeneDx
Classification: Uncertain significance. Last evaluated: 2020-02-04. Review status: criteria provided, single submitter. Criteria: GeneDx Variant Classification Process June 2021. Collection method: clinical testing. Allele origin: germline. Affected: yes.
Comment: Not observed in large population cohorts (Lek et al., 2016); In silico analysis supports that this missense variant does not alter protein structure/function; Has not been previously published as pathogenic or benign to our knowledge